The following is an entry in ClinVar:

NM_012293.3(PXDN):c.165G>A (p.Glu55=)

Gene: PXDN (peroxidasin; minus strand). Cytogenetic location: 2p25.3.
Variant type: single nucleotide variant.
Coding change: c.165G>A on transcript NM_012293.3 (MANE Select); coding-DNA position 165, G replaced by A.
Protein change: p.Glu55=; no amino-acid change (glutamic acid 55 retained).
Molecular consequence: synonymous variant.
Genome position (GRCh38, 1-based): chr2:1,744,291, C>T on the plus strand (G>A on the coding strand, the complement: PXDN is on the minus strand). VCF-style: chr2-1744291-C-T. GRCh37 (hg19) VCF-style: chr2-1748063-C-T.
Identifiers: ClinVar variation 1328070 (VCV001328070.10), dbSNP rs781119752, ClinGen allele CA1513742.

ClinVar aggregate classification (germline): Likely benign. Review status: criteria provided, multiple submitters, no conflicts (2 of 4 stars). 4 submissions from 4 submitters: Likely benign (2). 2 of the submissions do not count toward it. Last evaluated 2026-03-01.

Conditions:
Anterior segment dysgenesis 7 (ASGD7). Also called: Anterior segment dysgenesis 7, with sclerocornea; SCLEROCORNEA WITH OTHER OCULAR ANOMALIES. Identifiers: Orphanet 289499, MedGen C3151617, MONDO:0010015, OMIM 269400.

Allele frequency attached by ClinVar (database versions not stated): gnomAD 0.00015; TOPMed 0.00015; ExAC 0.00019; gnomAD exomes 0.00019 and 0.00047.
gnomAD v4.1: 656 of 1,522,376 alleles (0.043%); highest among the groups gnomAD compares: Non-Finnish European, 0.056%; no homozygotes.

Submissions (4):

CeGaT Center for Human Genetics Tuebingen
Classification: Likely benign. Last evaluated: 2026-03-01. Review status: criteria provided, single submitter. Criteria: CeGaT Center For Human Genetics Tuebingen Variant Classification Criteria Version 2. Collection method: clinical testing. Allele origin: germline. Affected: yes. Observed: 1 variant allele.
Comment: PXDN: BP4, BP7

Labcorp Genetics (formerly Invitae), Labcorp
Classification: Likely benign for Anterior segment dysgenesis 7. Last evaluated: 2024-06-16. Review status: criteria provided, single submitter. Criteria: Invitae Variant Classification Sherloc (09022015). Collection method: clinical testing. Allele origin: germline.

Clinical Genetics DNA and cytogenetics Diagnostics Lab, Erasmus MC, Erasmus Medical Center
Classification: Likely benign. Review status: no assertion criteria provided. Collection method: clinical testing. Allele origin: germline. Affected: yes. Study: VKGL Data-share Consensus. Not counted in ClinVar's aggregate classification.

Clinical Genetics, Academic Medical Center
Classification: Benign. Review status: no assertion criteria provided. Collection method: clinical testing. Allele origin: germline. Affected: yes. Study: VKGL Data-share Consensus. Not counted in ClinVar's aggregate classification.